The following is an entry in ClinVar:

ClinVar aggregate classification (germline): Uncertain significance (1 of 4 stars; one submission).

Conditions:
Hereditary cancer-predisposing syndrome. Also called: Neoplastic Syndromes, Hereditary; Tumor predisposition; Hereditary Cancer Syndrome; Hereditary neoplastic syndrome. Identifiers: Orphanet 140162, MedGen C0027672, MeSH D009386, MONDO:0015356.

Submission:

Ambry Genetics
Classification: Uncertain significance for Hereditary cancer-predisposing syndrome. Last evaluated: 2025-09-17. Review status: criteria provided, single submitter. Criteria: Ambry Variant Classification Scheme 2023. Collection method: clinical testing. Allele origin: germline.
Comment: The p.R132P variant (also known as c.395G>C), located in coding exon 1 of the GREM1 gene, results from a G to C substitution at nucleotide position 395. The arginine at codon 132 is replaced by proline, an amino acid with dissimilar properties. This amino acid position is conserved. In addition, this alteration is predicted to be tolerated by in silico analysis. Based on the available evidence, the clinical significance of this variant remains unclear.

NM_013372.7(GREM1):c.395G>C (p.Arg132Pro)

Gene: GREM1 (gremlin 1, DAN family BMP antagonist; plus strand). Cytogenetic location: 15q13.3.
Variant type: single nucleotide variant.
Coding change: c.395G>C on transcript NM_013372.7 (MANE Select); coding-DNA position 395, G replaced by C.
Protein change: p.Arg132Pro; replaces arginine 132 with proline.
Molecular consequence: missense variant.
Genome position (GRCh38, 1-based): chr15:32,731,085, G>C. VCF-style: chr15-32731085-G-C. GRCh37 (hg19) VCF-style: chr15-33023286-G-C.
Other names: c.185G>C, p.Arg62Pro (NM_001191322.2); c.272G>C, p.Arg91Pro (NM_001191323.2); c.395G>C, p.Arg132Pro (NM_001368719.1); short protein forms R132P, R91P, R62P.
Identifiers: ClinVar variation 4643427 (VCV004643427.1).